The following is an entry in ClinVar:

ClinVar aggregate classification (germline): Pathogenic (1 of 4 stars; one submission).

Submission:

Labcorp Genetics (formerly Invitae), Labcorp
Classification: Pathogenic. Last evaluated: 2024-10-18. Review status: criteria provided, single submitter. Criteria: Invitae Variant Classification Sherloc (09022015). Collection method: clinical testing. Allele origin: germline.
Comment: This sequence change creates a premature translational stop signal (p.Cys1539*) in the MYO18B gene. It is expected to result in an absent or disrupted protein product. Loss-of-function variants in MYO18B are known to be pathogenic (PMID: 25748484, 32184166, 32637634). This variant is not present in population databases (gnomAD no frequency). This variant has not been reported in the literature in individuals affected with MYO18B-related conditions. ClinVar contains an entry for this variant (Variation ID: 2135619). For these reasons, this variant has been classified as Pathogenic.

Literature cited by the submitters: PubMed 25748484; PubMed 32184166; PubMed 32637634.

NM_032608.7(MYO18B):c.4617C>A (p.Cys1539Ter)

Genes: MYO18B (myosin XVIIIB; plus strand), MYO18B-AS1 (MYO18B antisense RNA 1; minus strand). Cytogenetic location: 22q12.1.
Variant type: single nucleotide variant.
Coding change: c.4617C>A on transcript NM_032608.7 (MANE Select); coding-DNA position 4617, C replaced by A.
Protein change: p.Cys1539Ter; replaces cysteine 1539 with a stop codon.
Molecular consequence: nonsense.
Genome position (GRCh38, 1-based): chr22:25,895,229, C>A. VCF-style: chr22-25895229-C-A. GRCh37 (hg19) VCF-style: chr22-26291196-C-A.
Other names: c.4620C>A, p.Cys1540Ter (NM_001318245.2); short protein forms C1539*, C1540*.
Identifiers: ClinVar variation 2135619 (VCV002135619.4), dbSNP rs368416287, ClinGen allele CA411010207.